The following is an entry in ClinVar:

ClinVar aggregate classification (germline): Benign/Likely benign. Review status: criteria provided, multiple submitters, no conflicts (2 of 4 stars). 4 submissions from 4 submitters: Benign (1); Likely benign (3). Last evaluated 2026-03-01.

Allele frequency attached by ClinVar (database versions not stated): 1000 Genomes Project 0.00080; 1000 Genomes Project 30x 0.00094; TOPMed 0.00186; gnomAD exomes 0.00242 and 0.00253; gnomAD 0.00244 and 0.00248; ExAC 0.00256; ESP Exome Variant Server 0.00286.
gnomAD v4.1: 4,042 of 1,612,850 alleles (0.25%); highest among the groups gnomAD compares: Non-Finnish European, 0.28%; 11 homozygotes.

Submissions (4):

CeGaT Center for Human Genetics Tuebingen
Classification: Likely benign. Last evaluated: 2026-03-01. Review status: criteria provided, single submitter. Criteria: CeGaT Center For Human Genetics Tuebingen Variant Classification Criteria Version 2. Collection method: clinical testing. Allele origin: germline. Affected: yes. Observed: 3 variant alleles.
Comment: ZNF407: BP4, BP7

Blueprint Genetics
Classification: Likely benign. Last evaluated: 2024-11-26. Review status: criteria provided, single submitter. Criteria: ACMG Guidelines, 2015. Collection method: clinical testing. Allele origin: germline.

Labcorp Genetics (formerly Invitae), Labcorp
Classification: Benign. Last evaluated: 2019-12-31. Review status: criteria provided, single submitter. Criteria: Invitae Variant Classification Sherloc (09022015). Collection method: clinical testing. Allele origin: germline.

Genetic Services Laboratory, University of Chicago
Classification: Likely benign. Last evaluated: 2015-07-28. Review status: criteria provided, single submitter. Criteria: ACMG Guidelines, 2015. Collection method: clinical testing. Allele origin: germline.

NM_017757.3(ZNF407):c.1908C>T (p.Thr636=)

Gene: ZNF407 (zinc finger protein 407; plus strand). Cytogenetic location: 18q22.3.
Variant type: single nucleotide variant.
Coding change: c.1908C>T on transcript NM_017757.3 (MANE Select); coding-DNA position 1908, C replaced by T.
Protein change: p.Thr636=; no amino-acid change (threonine 636 retained).
Molecular consequence: synonymous variant.
Genome position (GRCh38, 1-based): chr18:74,632,927, C>T. VCF-style: chr18-74632927-C-T. GRCh37 (hg19) VCF-style: chr18-72344883-C-T.
Other names: c.1908C>T, p.Thr636= (NM_001146189.1, NM_001146190.1, NM_001384475.1).
Identifiers: ClinVar variation 212659 (VCV000212659.38), dbSNP rs187139901, ClinGen allele CA209395.